The following is an entry in ClinVar:

NC_000004.11:g.(?_52890123)_(52904425_?)del

Gene: SGCB (sarcoglycan beta; minus strand). Cytogenetic location: 4q12.
Variant type: Deletion.
Identifiers: ClinVar variation 1458791 (VCV001458791.7).

ClinVar aggregate classification (germline): Pathogenic (1 of 4 stars; one submission).

Conditions:
Autosomal recessive limb-girdle muscular dystrophy type 2E (LGMDR4). Also called: MUSCULAR DYSTROPHY, LIMB-GIRDLE, AUTOSOMAL RECESSIVE 4. Identifiers: Orphanet 119, MedGen C1858593, MONDO:0011423, OMIM 604286. Disease mechanism: Affects gamma-sarcoglycan and also disrupts the integrity of the entire sarcoglycan complex..

Submission:

Labcorp Genetics (formerly Invitae), Labcorp
Classification: Pathogenic for Autosomal recessive limb-girdle muscular dystrophy type 2E. Last evaluated: 2023-09-21. Review status: criteria provided, single submitter. Criteria: Invitae Variant Classification Sherloc (09022015). Collection method: clinical testing. Allele origin: germline.
Comment: A gross deletion of the genomic region encompassing the full coding sequence of the SGCB gene has been identified. Loss-of-function variants in SGCB are known to be pathogenic (PMID: 15938573, 18285821). The boundaries of this event are unknown as they extend beyond the assayed region for this gene and therefore may encompass additional genes. This variant has not been reported in the literature in individuals affected with SGCB-related conditions. For these reasons, this variant has been classified as Pathogenic.

Literature cited by the submitters: PubMed 15938573; PubMed 18285821.